The following is an entry in ClinVar:

NM_015021.3(ZNF292):c.1579_1580del (p.Arg527fs)

Gene: ZNF292 (zinc finger protein 292; plus strand). Cytogenetic location: 6q14.3.
Variant type: Microsatellite.
Coding change: c.1579_1580del on transcript NM_015021.3 (MANE Select); coding-DNA positions 1579 to 1580, 2 bases deleted (AG; older notation c.1579_1580delAG).
Protein change: p.Arg527fs; shifts the reading frame from arginine 527.
Molecular consequence: frameshift variant.
Genome position (GRCh38, 1-based): chr6:87,255,208-87,255,209, AG deleted; deleting any 2 consecutive bases within chr6:87,255,202-87,255,209 gives the same sequence; the c. name uses the placement nearest the transcript's 3' end. VCF-style (leftmost placement, unchanged base first): chr6-87255201-AAG-A. GRCh37 (hg19) VCF-style: chr6-87964919-AAG-A.
Other names: c.1159_1160del, p.Arg387fs (NM_001351444.2); short protein forms R387fs, R527fs.
Identifiers: ClinVar variation 4292818 (VCV004292818.1).
Genomic context (GRCh38, chr6:87,255,201, plus strand): 5'-TTCTGGCCTTCTTAAAGACATTGGTGATGAAAAGCAGAAGAAGAGAGAGATAAAACAGTT[AAG>A]AGAGAGGGGATTTATATCTGCTCGGTTTAGGAATTGGCAAGCCTACATGCAGTATTGTGT-3'

ClinVar aggregate classification (germline): Likely pathogenic (1 of 4 stars; one submission).

Conditions:
Intellectual developmental disorder, autosomal dominant 64. Also called: MENTAL RETARDATION, AUTOSOMAL DOMINANT 64. Identifiers: MedGen C5543067, MONDO:0030934, OMIM 619188.

Submission:

3billion
Classification: Likely pathogenic for Intellectual developmental disorder, autosomal dominant 64. Last evaluated: 2025-01-23. Review status: criteria provided, single submitter. Criteria: ACMG Guidelines, 2015. Collection method: clinical testing. Allele origin: germline. Affected: yes.
Comment: The variant is not observed in the gnomAD v4.1.0 dataset. Predicted Consequence/Location: Frameshift: predicted to result in a loss or disruption of normal protein function through protein truncation. The predicted truncated protein may be shortened by more than 10% and a dominant negative effect has been reported near truncated region. Therefore, this variant is classified as Likely pathogenic according to the recommendation of ACMG/AMP guideline.